The following is an entry in ClinVar:

ClinVar aggregate classification (germline): Conflicting classifications of pathogenicity. Review status: criteria provided, conflicting classifications (1 of 4 stars). 3 submissions from 3 submitters: Pathogenic (1); Likely pathogenic (1); Uncertain significance (1). Last evaluated 2023-08-02.

Conditions:
Cardiovascular phenotype. Identifiers: MedGen CN230736.
RYR2-related disorder. Also called: RYR2-related condition.
Catecholaminergic polymorphic ventricular tachycardia 1. Also called: VENTRICULAR TACHYCARDIA, STRESS-INDUCED POLYMORPHIC 1; VENTRICULAR TACHYCARDIA, CATECHOLAMINERGIC POLYMORPHIC, 1, WITH OR WITHOUT ATRIAL DYSFUNCTION AND/OR DILATED CARDIOMYOPATHY; RYR2-Related Catecholaminergic Polymorphic Ventricular Tachycardia. Identifiers: Orphanet 3286, MedGen C1631597, MONDO:0011484, OMIM 604772.

Submissions (3):

Greenwood Genetic Center Diagnostic Laboratories, Greenwood Genetic Center
Classification: Likely pathogenic for RYR2-related disorder. Last evaluated: 2023-08-02. Review status: criteria provided, single submitter. Criteria: ACMG Guidelines, 2015. Collection method: clinical testing. Allele origin: germline. Affected: yes.
Comment: PS2, PS4_Supporting, PM2, PP2, PP3

Ambry Genetics
Classification: Uncertain significance for Cardiovascular phenotype. Last evaluated: 2019-02-11. Review status: criteria provided, single submitter. Criteria: Ambry Autosomal Dominant and X-Linked criteria (3/2017). Collection method: clinical testing. Allele origin: germline. Observed: 1 variant allele.
Comment: The p.G4904D variant (also known as c.14711G>A), located in coding exon 103 of the RYR2 gene, results from a G to A substitution at nucleotide position 14711. The glycine at codon 4904 is replaced by aspartic acid, an amino acid with similar properties. This alteration has been reported in a patient who suffered cardiac arrest, but clinical details were limited (Fokstuen S et al. Hum. Genomics, 2016 06;10:24). This amino acid position is highly conserved in available vertebrate species. In addition, this alteration is predicted to be deleterious by in silico analysis. Since supporting evidence is limited at this time, the clinical significance of this alteration remains unclear.

Center of Genomic medicine, Geneva, University Hospital of Geneva
Classification: Pathogenic for Catecholaminergic polymorphic ventricular tachycardia 1. Last evaluated: 2015-04-02. Review status: criteria provided, single submitter. Criteria: ACMG Guidelines, 2015. Collection method: clinical testing. Allele origin: de novo. Affected: yes.

Literature cited by the submitters: PubMed 27353043 (cited by Ambry Genetics).

NM_001035.3(RYR2):c.14711G>A (p.Gly4904Asp)

Gene: RYR2 (ryanodine receptor 2; plus strand). Cytogenetic location: 1q43.
Variant type: single nucleotide variant.
Coding change: c.14711G>A on transcript NM_001035.3 (MANE Select); coding-DNA position 14711, G replaced by A.
Protein change: p.Gly4904Asp; replaces glycine 4904 with aspartic acid.
Molecular consequence: missense variant.
Genome position (GRCh38, 1-based): chr1:237,830,585, G>A. VCF-style: chr1-237830585-G-A. GRCh37 (hg19) VCF-style: chr1-237993885-G-A.
Other names: c.14711G>A, p.Gly4904Asp (LRG_402t1); short protein forms G4904D.
Identifiers: ClinVar variation 263679 (VCV000263679.6), dbSNP rs886038888, ClinGen allele CA10587436.